The following is an entry in ClinVar:

ClinVar aggregate classification (germline): Uncertain significance (1 of 4 stars; one submission).

Conditions:
Interstitial lung disease 2 (ILD2). Also called: Familial idiopathic pulmonary fibrosis; FIBROCYSTIC PULMONARY DYSPLASIA; FIBROSING ALVEOLITIS, CRYPTOGENIC. Identifiers: Orphanet 2032, Orphanet 79126, MedGen C5561926, MONDO:0800497, OMIM 178500, MONDO:0800029.

Submission:

Juno Genomics, Hangzhou Juno Genomics, Inc
Classification: Uncertain significance for Interstitial lung disease 2. Review status: criteria provided, single submitter. Criteria: ACMG Guidelines, 2015. Collection method: clinical testing. Allele origin: germline.
Comment: Absent from controls (or at extremely low frequency if recessive) in Genome Aggregation Database.;Protein length changes due to in-frame deletions/insertions in a non-repeat region or stop-loss variants.

NM_002458.3(MUC5B):c.5691CTC[1] (p.Ser1899del)

Genes: MUC5B (mucin 5B, oligomeric mucus/gel-forming; plus strand), MUC5B-AS1 (MUC5B antisense RNA 1; minus strand). Cytogenetic location: 11p15.5.
Variant type: Microsatellite.
Coding change: c.5691CTC[1] on transcript NM_002458.3 (MANE Select); one copy of the 3-base unit CTC starting at c.5691; the reference has two copies in a row; one copy, 3 bases deleted; also written c.5694_5696del.
Protein change: p.Ser1899del; deletes serine 1899.
Molecular consequence: inframe deletion. On other transcripts: non-coding transcript variant (1).
Genome position (GRCh38, 1-based): chr11:1,242,574-1,242,576, CTC deleted; deleting any 3 consecutive bases within chr11:1,242,570-1,242,576 gives the same sequence; the position shown is the placement nearest the transcript's 3' end. VCF-style (leftmost placement, unchanged base first): chr11-1242569-CCCT-C. GRCh37 (hg19) VCF-style: chr11-1263799-CCCT-C.
Other names: c.5694_5696del (NM_002458.3); short protein forms S1899del.
Identifiers: ClinVar variation 5007809 (VCV005007809.2).
Genomic context (GRCh38, chr11:1,242,569, plus strand): 5'-CTTTGCTGTGACGACTACAGCCACTGCCCCAGTACCCCAGCCACCAGCTCCACGGCCACG[CCCT>C]CCTCAACTCCGGGGACGACCTGGATCCTCACAAAGCCGACCACAACAGCCACTACGACTG-3'